The following is an entry in ClinVar:

NM_020919.4(ALS2):c.326A>G (p.Asn109Ser)

Gene: ALS2 (alsin Rho guanine nucleotide exchange factor ALS2; minus strand). Cytogenetic location: 2q33.1.
Variant type: single nucleotide variant.
Coding change: c.326A>G on transcript NM_020919.4 (MANE Select); coding-DNA position 326, A replaced by G.
Protein change: p.Asn109Ser; replaces asparagine 109 with serine.
Molecular consequence: missense variant.
Genome position (GRCh38, 1-based): chr2:201,761,668, T>C on the plus strand (A>G on the coding strand, the complement: ALS2 is on the minus strand). VCF-style: chr2-201761668-T-C. GRCh37 (hg19) VCF-style: chr2-202626391-T-C.
Other names: c.326A>G, p.Asn109Ser (NM_001135745.2); c.326A>G (NM_020919.3); short protein forms N109S.
Identifiers: ClinVar variation 1299768 (VCV001299768.7), dbSNP rs191980454, ClinGen allele CA2058672.

ClinVar aggregate classification (germline): Conflicting classifications of pathogenicity. Review status: criteria provided, conflicting classifications (1 of 4 stars). 4 submissions from 4 submitters: Uncertain significance (1); Likely benign (1). 2 of the submissions do not count toward it. Last evaluated 2024-05-21.

Conditions:
Inborn genetic diseases. Identifiers: MedGen C0950123, MeSH D030342.
Infantile-onset ascending hereditary spastic paralysis (IAHSP). Also called: Autosomal Recessive Juvenile Amyotrophic Lateral Sclerosis; Infantile-Onset Ascending Hereditary Spastic Paralysis (IAHSP). Identifiers: Orphanet 293168, MedGen C2931441, MONDO:0011797, OMIM 607225. Disease mechanism: loss of function.

Allele frequency attached by ClinVar (database versions not stated): ExAC 0.00001; gnomAD 0.00001; gnomAD exomes 0.00001 and 0.00002; TOPMed 0.00001; 1000 Genomes Project 30x 0.00016; 1000 Genomes Project 0.00020.

Submissions (4):

Ambry Genetics
Classification: Likely benign for Inborn genetic diseases. Last evaluated: 2024-05-21. Review status: criteria provided, single submitter. Criteria: Ambry Variant Classification Scheme 2023. Collection method: clinical testing. Allele origin: germline.

Labcorp Genetics (formerly Invitae), Labcorp
Classification: Uncertain significance for Infantile-onset ascending hereditary spastic paralysis. Last evaluated: 2021-09-01. Review status: criteria provided, single submitter. Criteria: Invitae Variant Classification Sherloc (09022015). Collection method: clinical testing. Allele origin: germline.
Comment: This sequence change replaces asparagine with serine at codon 109 of the ALS2 protein (p.Asn109Ser). The asparagine residue is weakly conserved and there is a small physicochemical difference between asparagine and serine. This variant is present in population databases (rs191980454, ExAC 0.001%). This variant has not been reported in the literature in individuals affected with ALS2-related conditions. Algorithms developed to predict the effect of missense changes on protein structure and function output the following: SIFT: "Tolerated"; PolyPhen-2: "Benign"; Align-GVGD: "Class C0". The serine amino acid residue is found in multiple mammalian species, which suggests that this missense change does not adversely affect protein function. In summary, the available evidence is currently insufficient to determine the role of this variant in disease. Therefore, it has been classified as a Variant of Uncertain Significance.

Clinical Genetics DNA and cytogenetics Diagnostics Lab, Erasmus MC, Erasmus Medical Center
Classification: Likely benign. Review status: no assertion criteria provided. Collection method: clinical testing. Allele origin: germline. Affected: yes. Study: VKGL Data-share Consensus. Not counted in ClinVar's aggregate classification.

Genome Diagnostics Laboratory, Amsterdam University Medical Center
Classification: Likely benign. Review status: no assertion criteria provided. Collection method: clinical testing. Allele origin: germline. Affected: yes. Study: VKGL Data-share Consensus. Not counted in ClinVar's aggregate classification.